The following is an entry in ClinVar:

NM_000166.6(GJB1):c.271G>A (p.Val91Met)

Gene: GJB1 (gap junction protein beta 1; plus strand). Cytogenetic location: Xq13.1.
Variant type: single nucleotide variant.
Coding change: c.271G>A on transcript NM_000166.6 (MANE Select); coding-DNA position 271, G replaced by A.
Protein change: p.Val91Met; replaces valine 91 with methionine.
Molecular consequence: missense variant.
Genome position (GRCh38, 1-based): chrX:71,223,978, G>A. VCF-style: chrX-71223978-G-A. GRCh37 (hg19) VCF-style: chrX-70443828-G-A.
Other names: c.271G>A, p.Val91Met (NM_001097642.3); short protein forms V91M.
Identifiers: ClinVar variation 195025 (VCV000195025.58), dbSNP rs756928158, ClinGen allele CA275057.
Genomic context (GRCh38, chrX:71,223,978, plus strand): 5'-ATCTCCCATGTGCGGCTGTGGTCCCTGCAGCTCATCCTAGTTTCCACCCCAGCTCTCCTC[G>A]TGGCCATGCACGTGGCTCACCAGCAACACATAGAGAAGAAAATGCTACGGCTTGAGGGCC-3'
Protein context (NP_000157.1, residues 81-101): LILVSTPALL[Val91Met]AMHVAHQQHI

ClinVar aggregate classification (germline): Pathogenic/Likely pathogenic. Review status: criteria provided, multiple submitters, no conflicts (2 of 4 stars). 5 submissions from 5 submitters: Pathogenic (4); Likely pathogenic (1). Last evaluated 2025-08-11.

Conditions:
Charcot-Marie-Tooth Neuropathy X. Identifiers: MedGen CN118851.
Charcot-Marie-Tooth disease X-linked dominant 1. Also called: Charcot-Marie-Tooth Neuropathy X Type 1; CHARCOT-MARIE-TOOTH NEUROPATHY, X-LINKED, 1; CHARCOT-MARIE-TOOTH PERONEAL MUSCULAR ATROPHY, X-LINKED; X-linked Charcot-Marie-Tooth disease type 1; GJB1 Disorders: Charcot-Marie-Tooth Neuropathy (CMT1X) and Central Nervous System Phenotypes; HEREDITARY MOTOR AND SENSORY NEUROPATHY, X-LINKED. Identifiers: Orphanet 101075, MedGen C0393808, MONDO:0010549, OMIM 302800.

Allele frequency attached by ClinVar (database versions not stated): ExAC 0.00002.

Submissions (5):

Labcorp Genetics (formerly Invitae), Labcorp
Classification: Pathogenic for Charcot-Marie-Tooth Neuropathy X. Last evaluated: 2025-08-11. Review status: criteria provided, single submitter. Criteria: Invitae Variant Classification Sherloc (09022015). Collection method: clinical testing. Allele origin: germline.
Comment: This sequence change replaces valine, which is neutral and non-polar, with methionine, which is neutral and non-polar, at codon 91 of the GJB1 protein (p.Val91Met). This variant is not present in population databases (gnomAD no frequency). This missense change has been observed in individuals with CMTX (PMID: 11140841, 11571214, 22464564, 27027447, 27844031, 28097225). ClinVar contains an entry for this variant (Variation ID: 195025). Invitae Evidence Modeling of protein sequence and biophysical properties (such as structural, functional, and spatial information, amino acid conservation, physicochemical variation, residue mobility, and thermodynamic stability) indicates that this missense variant is expected to disrupt GJB1 protein function with a positive predictive value of 95%. For these reasons, this variant has been classified as Pathogenic.

CeGaT Center for Human Genetics Tuebingen
Classification: Pathogenic. Last evaluated: 2025-02-01. Review status: criteria provided, single submitter. Criteria: CeGaT Center For Human Genetics Tuebingen Variant Classification Criteria Version 2. Collection method: clinical testing. Allele origin: germline. Affected: yes. Observed: 2 variant alleles.
Comment: GJB1: PP1:Strong, PM1, PM2, PM5, PS4:Moderate, PP3

Centre of Medical Genetics, University Hospital Muenster
Classification: Pathogenic for Charcot-Marie-Tooth disease X-linked dominant 1. Last evaluated: 2022-06-10. Review status: criteria provided, single submitter. Criteria: ACMG Guidelines, 2015. Collection method: clinical testing. Allele origin: unknown. Affected: yes. Observed: 1 variant allele, 1 heterozygote.
Comment: ACMG categories: PS3,PM1,PM2,PP3,PP5

Illumina Laboratory Services, Illumina
Classification: Pathogenic for X-linked hereditary motor and sensory neuropathy. Last evaluated: 2019-12-13. Review status: criteria provided, single submitter. Criteria: ICSLVariantClassificationCriteria RUGD 01 April 2020. Collection method: clinical testing. Allele origin: unknown.
Comment: The GJB1 c.271G>A (p.Val91Met) variant is a missense variant that has been reported in a heterozygous state in at least eight individuals with Charcot-Marie-Tooth neuropathy (Bissar-Tadmouri et al. 2000; Dobourg et al. 2001; Michelle et al. 2009; Arthur-Farraj et al. 2012; Tsai et al. 2016; Hong et al. 2017). Affected individuals presented with motor neuropathy, areflexia, ataxia, paresthesia of the feet, numbness and/or weakness of lower limbs, and sensorineural hearing loss in at least one affected individual. Age of onset was variable, but generally occurred in the first or second decade. The p.Val91Met variant was absent from 50 control individuals (Dobourg et al. 2001) and is not found in the Genome Aggregation Database despite good sequence coverage, so the variant is presumed to be rare. Functional studies in HeLa cells showed decreased expression of the p.Val91Met variant protein in the plasma membrane compared to controls (Tsai et al. 2016). In addition, the variant protein was mainly localized to the cytoplasm and showed fewer gap junction plaques at the intercellular boundaries compared to wild-type. Additional tests were conducted in HEK293T cells where Ca2+ signaling propagation was evaluated. Impaired gap junction permeability was observed and the onset-to-peak duration of the signal was longer in cells expressing the p.Val91Met variant compared to those expressing wild-type protein (Tsai et al. 2016). The p.Val91Met variant is located in the second transmembrane domain which is suggested to be important for protein conformation. Based on the collective evidence, the p.Val91Met variant is classified as pathogenic for Charcot-Marie-Tooth neuropathy X type 1.

Eurofins Ntd Llc (ga)
Classification: Likely pathogenic. Last evaluated: 2015-03-02. Review status: criteria provided, single submitter. Criteria: EGL Classification Definitions 2015. Collection method: clinical testing. Allele origin: germline. Observed: 1 variant allele, 1 hemizygote.

Literature cited by the submitters: PubMed 11140841 (cited by Labcorp Genetics (formerly Invitae), Labcorp and Illumina Laboratory Services, Illumina); PubMed 11571214 (cited by 3 submitters); PubMed 22464564 (cited by Labcorp Genetics (formerly Invitae), Labcorp and Illumina Laboratory Services, Illumina); PubMed 27027447 (cited by Labcorp Genetics (formerly Invitae), Labcorp); PubMed 27844031 (cited by Labcorp Genetics (formerly Invitae), Labcorp and Illumina Laboratory Services, Illumina); PubMed 28097225 (cited by Labcorp Genetics (formerly Invitae), Labcorp); PubMed 19448103 (cited by Illumina Laboratory Services, Illumina); PubMed 28448691 (cited by Illumina Laboratory Services, Illumina).